The following is an entry in ClinVar:

ClinVar aggregate classification (germline): Pathogenic (1 of 4 stars; one submission).

Conditions:
Dentinogenesis imperfecta type 2 (DGI1). Also called: CAPDEPONT TEETH; OPALESCENT DENTIN; OPALESCENT TEETH WITHOUT OSTEOGENESIS IMPERFECTA; Dentinogenesis imperfecta without osteogenesis imperfecta; Hereditary Opalescent Dentin; Dentinogenesis imperfecta - Shield's type II. Identifiers: Orphanet 166260, MedGen C2973527, MONDO:0007441, OMIM 125490. Disease mechanism: loss of function.

Submission:

Reference Center For Rare Oral And Dental Diseases, CRMR O-Rares, Hôpitaux Universitaires De Strasbourg
Classification: Pathogenic for Dentinogenesis imperfecta type 2. Last evaluated: 2025-09-03. Review status: criteria provided, single submitter. Criteria: ACMG Guidelines, 2015. Collection method: clinical testing. Allele origin: paternal. Inheritance: Autosomal dominant inheritance. Affected: yes. Observed: 2 variant alleles.
Comment: PVS1, PM2, PP4, PP1 (5)

NM_014208.3(DSPP):c.2100del (p.Ser701fs)

Genes: DMP1-AS1 (DMP1 and DSPP antisense RNA 1; minus strand), DSPP (dentin sialophosphoprotein; plus strand). Cytogenetic location: 4q22.1.
Variant type: Deletion.
Coding change: c.2100del on transcript NM_014208.3 (MANE Select); coding-DNA position 2100, one base deleted (G; older notation c.2100delG).
Protein change: p.Ser701fs; shifts the reading frame from serine 701.
Molecular consequence: frameshift variant.
Genome position (GRCh38, 1-based): chr4:87,614,762, G deleted. VCF-style (leftmost placement, unchanged base first): chr4-87614761-AG-A. GRCh37 (hg19) VCF-style: chr4-88535913-AG-A.
Other names: short protein forms S701fs.
Identifiers: ClinVar variation 4082231 (VCV004082231.1).
Genomic context (GRCh38, chr4:87,614,761, plus strand): 5'-GCAGTGACAGCAGCAACAGCAGTGATAGTAGTGACAGTAGTGACAGCAGCAATAGCAGTG[AG>A]AGCAGTGATAGTAGTGACAGCAGTGATAGTGACAGCAGTGATAGTAGTGACAGCAGTAAT-3'